The following is an entry in ClinVar:

ClinVar aggregate classification (germline): Uncertain significance (1 of 4 stars; one submission).

Conditions:
Hereditary cancer-predisposing syndrome. Also called: Neoplastic Syndromes, Hereditary; Hereditary Cancer Syndrome; Tumor predisposition; Hereditary neoplastic syndrome. Identifiers: Orphanet 140162, MedGen C0027672, MeSH D009386, MONDO:0015356.

Allele frequency attached by ClinVar (database versions not stated): gnomAD exomes below 0.00001.

Submission:

Ambry Genetics
Classification: Uncertain significance for Hereditary cancer-predisposing syndrome. Last evaluated: 2025-05-15. Review status: criteria provided, single submitter. Criteria: Ambry Variant Classification Scheme 2023. Collection method: clinical testing. Allele origin: germline.
Comment: The p.K147E variant (also known as c.439A>G), located in coding exon 1 of the GREM1 gene, results from an A to G substitution at nucleotide position 439. The lysine at codon 147 is replaced by glutamic acid, an amino acid with similar properties. This amino acid position is conserved. In addition, this alteration is predicted to be tolerated by in silico analysis. Since supporting evidence is limited at this time, the clinical significance of this alteration remains unclear.

NM_013372.7(GREM1):c.439A>G (p.Lys147Glu)

Gene: GREM1 (gremlin 1, DAN family BMP antagonist; plus strand). Cytogenetic location: 15q13.3.
Variant type: single nucleotide variant.
Coding change: c.439A>G on transcript NM_013372.7 (MANE Select); coding-DNA position 439, A replaced by G.
Protein change: p.Lys147Glu; replaces lysine 147 with glutamic acid.
Molecular consequence: missense variant.
Genome position (GRCh38, 1-based): chr15:32,731,129, A>G. VCF-style: chr15-32731129-A-G. GRCh37 (hg19) VCF-style: chr15-33023330-A-G.
Other names: c.229A>G, p.Lys77Glu (NM_001191322.2); c.316A>G, p.Lys106Glu (NM_001191323.2); c.439A>G, p.Lys147Glu (NM_001368719.1); short protein forms K106E, K147E, K77E.
Identifiers: ClinVar variation 2447142 (VCV002447142.3), dbSNP rs2548707980, ClinGen allele CA391557953.